The following is an entry in ClinVar:

NM_003244.4(TGIF1):c.488C>G (p.Pro163Arg)

Gene: TGIF1 (TGFB induced factor homeobox 1; plus strand). Cytogenetic location: 18p11.31.
Variant type: single nucleotide variant.
Coding change: c.488C>G on transcript NM_003244.4 (MANE Select); coding-DNA position 488, C replaced by G.
Protein change: p.Pro163Arg; replaces proline 163 with arginine.
Molecular consequence: missense variant.
Genome position (GRCh38, 1-based): chr18:3,457,609, C>G. VCF-style: chr18-3457609-C-G. GRCh37 (hg19) VCF-style: chr18-3457607-C-G.
Other names: c.497C>G, p.Pro166Arg (NM_001278682.2); c.488C>G, p.Pro163Arg (NM_001278684.2, NM_173208.3); c.428C>G, p.Pro143Arg (NM_001278686.3, NM_001374396.1, NM_001374397.1 and 5 more transcripts); c.530C>G, p.Pro177Arg (NM_173207.4); short protein forms P163R, P166R, P177R, P143R.
Identifiers: ClinVar variation 1402348 (VCV001402348.6), dbSNP rs2229333, ClinGen allele CA295567223.

ClinVar aggregate classification (germline): Uncertain significance (1 of 4 stars; one submission).

Conditions:
Holoprosencephaly 4 (HPE4). Identifiers: Orphanet 2162, MedGen C1840528, MONDO:0007734, OMIM 142946.

gnomAD v4.1: 22 of 1,614,186 alleles (0.0014%); highest among the groups gnomAD compares: African/African-American, 0.015%; 1 homozygote.

Submission:

Labcorp Genetics (formerly Invitae), Labcorp
Classification: Uncertain significance for Holoprosencephaly 4. Last evaluated: 2023-07-17. Review status: criteria provided, single submitter. Criteria: Invitae Variant Classification Sherloc (09022015). Collection method: clinical testing. Allele origin: germline.
Comment: In summary, the available evidence is currently insufficient to determine the role of this variant in disease. Therefore, it has been classified as a Variant of Uncertain Significance. Advanced modeling of protein sequence and biophysical properties (such as structural, functional, and spatial information, amino acid conservation, physicochemical variation, residue mobility, and thermodynamic stability) performed at Invitae indicates that this missense variant is not expected to disrupt TGIF1 protein function. ClinVar contains an entry for this variant (Variation ID: 1402348). This variant has not been reported in the literature in individuals affected with TGIF1-related conditions. This variant is not present in population databases (gnomAD no frequency). This sequence change replaces proline, which is neutral and non-polar, with arginine, which is basic and polar, at codon 163 of the TGIF1 protein (p.Pro163Arg).